The following is an entry in ClinVar:

ClinVar aggregate classification (germline): Pathogenic (1 of 4 stars; one submission).

Conditions:
Hereditary cancer-predisposing syndrome. Also called: Neoplastic Syndromes, Hereditary; Tumor predisposition; Hereditary Cancer Syndrome; Hereditary neoplastic syndrome. Identifiers: Orphanet 140162, MedGen C0027672, MeSH D009386, MONDO:0015356.

Submission:

Ambry Genetics
Classification: Pathogenic for Hereditary cancer-predisposing syndrome. Last evaluated: 2026-05-15. Review status: criteria provided, single submitter. Criteria: Ambry Variant Classification Scheme 2023. Collection method: clinical testing. Allele origin: germline.
Comment: The c.8890delA pathogenic mutation, located in coding exon 21 of the BRCA2 gene, results from a deletion of one nucleotide at nucleotide position 8890, causing a translational frameshift with a predicted alternate stop codon (p.R2964Gfs*12). This variant is considered to be rare based on population cohorts in the Genome Aggregation Database (gnomAD). This variant is expected to result in loss of function by premature protein truncation or nonsense-mediated mRNA decay. As such, this variant is interpreted as a disease-causing mutation.

NM_000059.4(BRCA2):c.8890del (p.Arg2964fs)

Gene: BRCA2 (BRCA2 DNA repair associated; plus strand). Cytogenetic location: 13q13.1.
Variant type: Deletion.
Coding change: c.8890del on transcript NM_000059.4 (MANE Select); coding-DNA position 8890, one base deleted (A; older notation c.8890delA).
Protein change: p.Arg2964fs; shifts the reading frame from arginine 2964.
Molecular consequence: frameshift variant. On other transcripts: non-coding transcript variant (1).
Genome position (GRCh38, 1-based): chr13:32,379,452, A deleted; the last of 2 consecutive A bases (chr13:32,379,451-32,379,452); deleting either gives the same sequence. VCF-style (leftmost placement, unchanged base first): chr13-32379450-CA-C. GRCh37 (hg19) VCF-style: chr13-32953587-CA-C.
Other names: c.8794del, p.Arg2932fs (NM_001406719.1); c.8890del, p.Arg2964fs (NM_001406720.1, NM_001432077.1); c.3958del, p.Arg1320fs (NM_001406721.1); c.2473del, p.Arg825fs (NM_001406722.1); short protein forms R1320fs, R2932fs, R2964fs, R825fs.
Identifiers: ClinVar variation 4867858 (VCV004867858.1).